The following is an entry in ClinVar:

ClinVar aggregate classification (germline): Pathogenic (1 of 4 stars; one submission).

Conditions:
Autosomal recessive limb-girdle muscular dystrophy type 2L (LGMDR12). Also called: Limb-girdle muscular dystrophy, type 2L; MUSCULAR DYSTROPHY, LIMB-GIRDLE, AUTOSOMAL RECESSIVE 12; Limb-Girdle Muscular Dystrophy R12 Anoctamin-5-Related (LGMD-R12). Identifiers: Orphanet 206549, MedGen C1969785, MONDO:0012652, OMIM 611307.
Gnathodiaphyseal dysplasia (GDD). Also called: GNATHODIAPHYSEAL SCLEROSIS; OSTEOGENESIS IMPERFECTA WITH UNUSUAL SKELETAL LESIONS. Identifiers: Orphanet 53697, MedGen C1833736, MONDO:0008151, OMIM 166260.

Submission:

Labcorp Genetics (formerly Invitae), Labcorp
Classification: Pathogenic for Autosomal recessive limb-girdle muscular dystrophy type 2L; Gnathodiaphyseal dysplasia. Last evaluated: 2022-07-05. Review status: criteria provided, single submitter. Criteria: Invitae Variant Classification Sherloc (09022015). Collection method: clinical testing. Allele origin: germline.
Comment: This variant has not been reported in the literature in individuals affected with ANO5-related conditions. This variant is a gross deletion of the genomic region encompassing exon(s) 5-13 of the ANO5 gene. This variant would be expected to be in-frame, preserving the integrity of the reading frame. For these reasons, this variant has been classified as Pathogenic. This variant disrupts a region of the ANO5 protein in which other variant(s) (p.Asp81Gly) have been determined to be pathogenic (PMID: 22402862, 22980763, 31395899). This suggests that this is a clinically significant region of the protein, and that variants that disrupt it are likely to be disease-causing.

Literature cited by the submitters: PubMed 22402862; PubMed 22980763; PubMed 31395899.

NC_000011.9:g.(?_22242623)_(22277088_?)del

Gene: ANO5 (anoctamin 5; plus strand). Cytogenetic location: 11p14.3.
Variant type: Deletion.
Identifiers: ClinVar variation 1350152 (VCV001350152.9).